The following is an entry in ClinVar:

NM_000642.3(AGL):c.2963del (p.Leu988fs)

Gene: AGL (amylo-alpha-1,6-glucosidase and 4-alpha-glucanotransferase; plus strand). Cytogenetic location: 1p21.2.
Variant type: Deletion.
Coding change: c.2963del on transcript NM_000642.3 (MANE Select); coding-DNA position 2963, one base deleted (T; older notation c.2963delT).
Protein change: p.Leu988fs; shifts the reading frame from leucine 988.
Molecular consequence: frameshift variant.
Genome position (GRCh38, 1-based): chr1:99,891,619, T deleted; the last of 2 consecutive T bases (chr1:99,891,618-99,891,619); deleting either gives the same sequence. VCF-style (leftmost placement, unchanged base first): chr1-99891617-GT-G. GRCh37 (hg19) VCF-style: chr1-100357173-GT-G.
Other names: c.2963delT, p.Leu988Cysfs (NM_000028.3, NM_000643.3, NM_000644.3 and 1 more transcripts); c.2915delT, p.Leu972Cysfs (NM_000646.3); c.2942delT, p.Leu981Cysfs (NM_001425326.1); c.2762delT, p.Leu921Cysfs (NM_001425327.1); c.2759delT, p.Leu920Cysfs (NM_001425328.1); c.2624delT, p.Leu875Cysfs (NM_001425329.1); c.2585delT, p.Leu862Cysfs (NM_001425332.1); short protein forms L972fs, L988fs.
Identifiers: ClinVar variation 1070363 (VCV001070363.7), dbSNP rs1313973421, ClinGen allele CA524878281.

ClinVar aggregate classification (germline): Pathogenic (1 of 4 stars; one submission).

Conditions:
Glycogen storage disease type III (GSD3). Also called: Cori disease; FORBES DISEASE. Identifiers: Orphanet 366, MedGen C0017922, MONDO:0009291, OMIM 232400.

Submission:

Labcorp Genetics (formerly Invitae), Labcorp
Classification: Pathogenic for Glycogen storage disease type III. Last evaluated: 2025-05-07. Review status: criteria provided, single submitter. Criteria: Invitae Variant Classification Sherloc (09022015). Collection method: clinical testing. Allele origin: germline.
Comment: This sequence change creates a premature translational stop signal (p.Leu988Cysfs*8) in the AGL gene. It is expected to result in an absent or disrupted protein product. Loss-of-function variants in AGL are known to be pathogenic (PMID: 19299494). This variant is present in population databases (no rsID available, gnomAD 0.0008%). This variant has not been reported in the literature in individuals affected with AGL-related conditions. ClinVar contains an entry for this variant (Variation ID: 1070363). For these reasons, this variant has been classified as Pathogenic.

Literature cited by the submitters: PubMed 19299494.